The following is an entry in ClinVar:

NM_172107.4(KCNQ2):c.2T>C (p.Met1Thr)

Gene: KCNQ2 (potassium voltage-gated channel subfamily Q member 2; minus strand). Cytogenetic location: 20q13.33.
Variant type: single nucleotide variant.
Coding change: c.2T>C on transcript NM_172107.4 (MANE Select); coding-DNA position 2, T replaced by C.
Protein change: p.Met1Thr; changes the start codon (methionine 1).
Molecular consequence: missense variant, initiator codon variant.
Genome position (GRCh38, 1-based): chr20:63,472,462, A>G on the plus strand (T>C on the coding strand, the complement: KCNQ2 is on the minus strand). VCF-style: chr20-63472462-A-G. GRCh37 (hg19) VCF-style: chr20-62103815-A-G.
Other names: c.2T>C, p.Met1Thr (NM_004518.6, NM_172106.3, NM_172108.5 and 1 more transcripts); short protein forms M1T.
Identifiers: ClinVar variation 21783 (VCV000021783.20), dbSNP rs118192186, ClinGen allele CA342499.
Genomic context (GRCh38, chr20:63,472,462, plus strand): 5'-TTCAGCTTCTTCTCCCCGCTCGGGCCGGGGTATACGCCGCCGTTGCGCGACTTCTGCACC[A>G]TGGTGCCTGGCGGGAGGCGCCCCGGGTCGGGCTCAGGCTCAGCGGGGGCGGAGCGCGGGG-3'
Protein context (NP_742105.1, residues 1-11): [Met1Thr]VQKSRNGGVY

ClinVar aggregate classification (germline): Pathogenic/Likely pathogenic. Review status: criteria provided, multiple submitters, no conflicts (2 of 4 stars). 6 submissions from 6 submitters: Pathogenic (3); Likely pathogenic (2). 1 of the submissions does not count toward it. Last evaluated 2026-03-17.

Conditions:
Early-infantile DEE. Also called: Ohtahara syndrome; Early infantile epileptic encephalopathy; Early infantile epileptic encephalopathy with suppression bursts. Identifiers: Orphanet 1934, MedGen C0393706, MONDO:0800491.
Developmental and epileptic encephalopathy, 7 (DEE7). Also called: Early infantile epileptic encephalopathy 7; KCNQ2-Related Neonatal-Onset Developmental and Epileptic Encephalopathy (NEO-DEE); KCNQ2-Related Neonatal Epileptic Encephalopathy. Identifiers: Orphanet 439218, MedGen C3150986, MONDO:0013387, OMIM 613720.
Seizures, benign familial neonatal, 1. Also called: Benign Neonatal Epilepsy 1; KCNQ2-Related Self-Limited Familial Neonatal Epilepsy (SLFNE); KCNQ2-Related Benign Familial Neonatal Epilepsy; Seizures, benign neonatal, 1. Identifiers: Orphanet 1949, MedGen C3149074, MONDO:0007365, OMIM 121200.

Submissions (6):

MVZ Martinsried, Medicover Genetics
Classification: Likely pathogenic for Developmental and epileptic encephalopathy, 7. Last evaluated: 2026-03-17. Review status: criteria provided, single submitter. Criteria: ClinGen Variant Curation SOP V3.2 + Classification Guidance July2025. Collection method: clinical testing. Allele origin: de novo. Affected: yes. Observed: 1 heterozygote.

CeGaT Center for Human Genetics Tuebingen
Classification: Likely pathogenic. Last evaluated: 2025-04-01. Review status: criteria provided, single submitter. Criteria: CeGaT Center For Human Genetics Tuebingen Variant Classification Criteria Version 2. Collection method: clinical testing. Allele origin: germline. Affected: yes. Observed: 1 variant allele.
Comment: KCNQ2: PM2, PS1:Moderate, PVS1:Moderate, PS4:Supporting

GeneDx
Classification: Pathogenic. Last evaluated: 2025-02-24. Review status: criteria provided, single submitter. Criteria: GeneDx Variant Classification Process June 2021. Collection method: clinical testing. Allele origin: germline. Affected: yes.
Comment: Initiation codon variant in a gene for which loss of function is a known mechanism of disease; Not observed at significant frequency in large population cohorts (gnomAD); This variant is associated with the following publications: (PMID: 14985406, 25982755)

Clinical Genetics Laboratory, Skane University Hospital Lund
Classification: Pathogenic. Last evaluated: 2024-02-01. Review status: criteria provided, single submitter. Criteria: ACMG Guidelines, 2015. Collection method: clinical testing. Allele origin: germline. Affected: yes.

Labcorp Genetics (formerly Invitae), Labcorp
Classification: Pathogenic for Early-infantile DEE. Last evaluated: 2022-06-29. Review status: criteria provided, single submitter. Criteria: Invitae Variant Classification Sherloc (09022015). Collection method: clinical testing. Allele origin: germline.
Comment: This sequence change affects the initiator methionine of the KCNQ2 mRNA. The next in-frame methionine is located at codon 174. This variant is not present in population databases (gnomAD no frequency). Disruption of the initiator codon has been observed in individual(s) with familial neonatal seizures (PMID: 14985406, 25982755; Invitae). It has also been observed to segregate with disease in related individuals. ClinVar contains an entry for this variant (Variation ID: 21783). This variant disrupts the p.Arg144 amino acid residue in KCNQ2. Other variant(s) that disrupt this residue have been determined to be pathogenic (PMID: 23934111, 25740509). This suggests that this residue is clinically significant, and that variants that disrupt this residue are likely to be disease-causing. For these reasons, this variant has been classified as Pathogenic.

GeneReviews
No classification provided. Condition: Seizures, benign familial neonatal, 1. Review status: no classification provided. Collection method: literature only. Allele origin: germline. Affected: yes. Not counted in ClinVar's aggregate classification.
Comment: BFNE (benign familial neonatal epilepsy)

Literature cited by the submitters: PubMed 14985406 (cited by Labcorp Genetics (formerly Invitae), Labcorp and GeneReviews); PubMed 25982755 (cited by Labcorp Genetics (formerly Invitae), Labcorp and GeneReviews); PubMed 23934111 (cited by Labcorp Genetics (formerly Invitae), Labcorp); PubMed 25740509 (cited by Labcorp Genetics (formerly Invitae), Labcorp); NCBI Bookshelf NBK32534 (cited by GeneReviews).